The following is an entry in ClinVar:

NM_000057.4(BLM):c.1624G>A (p.Asp542Asn)

Gene: BLM (BLM RecQ like helicase; plus strand). Cytogenetic location: 15q26.1.
Variant type: single nucleotide variant.
Coding change: c.1624G>A on transcript NM_000057.4 (MANE Select); coding-DNA position 1624, G replaced by A.
Protein change: p.Asp542Asn; replaces aspartic acid 542 with asparagine.
Molecular consequence: missense variant.
Genome position (GRCh38, 1-based): chr15:90,760,997, G>A. VCF-style: chr15-90760997-G-A. GRCh37 (hg19) VCF-style: chr15-91304227-G-A.
Other names: c.1624G>A, p.Asp542Asn (NM_001287246.2, NM_001287247.2); c.499G>A, p.Asp167Asn (NM_001287248.2); short protein forms D542N, D167N.
Identifiers: ClinVar variation 1944154 (VCV001944154.5), dbSNP rs1555419932, ClinGen allele CA393843470.

ClinVar aggregate classification (germline): Uncertain significance (1 of 4 stars; one submission).

Conditions:
Bloom syndrome (BLM). Also called: Bloom-Torre-Machacek syndrome. Identifiers: Orphanet 125, MedGen C0005859, MONDO:0008876, OMIM 210900.

Allele frequency attached by ClinVar (database versions not stated): gnomAD 0.00001.
gnomAD v4.1: 6 of 1,608,300 alleles (0.00037%); highest among the groups gnomAD compares: South Asian, 0.0067%; no homozygotes.

Submission:

Labcorp Genetics (formerly Invitae), Labcorp
Classification: Uncertain significance for Bloom syndrome. Last evaluated: 2025-02-17. Review status: criteria provided, single submitter. Criteria: Invitae Variant Classification Sherloc (09022015). Collection method: clinical testing. Allele origin: germline.
Comment: This sequence change replaces aspartic acid, which is acidic and polar, with asparagine, which is neutral and polar, at codon 542 of the BLM protein (p.Asp542Asn). This variant is not present in population databases (gnomAD no frequency). This variant has not been reported in the literature in individuals affected with BLM-related conditions. ClinVar contains an entry for this variant (Variation ID: 1944154). Invitae Evidence Modeling of protein sequence and biophysical properties (such as structural, functional, and spatial information, amino acid conservation, physicochemical variation, residue mobility, and thermodynamic stability) indicates that this missense variant is not expected to disrupt BLM protein function with a negative predictive value of 80%. In summary, the available evidence is currently insufficient to determine the role of this variant in disease. Therefore, it has been classified as a Variant of Uncertain Significance.